The following is an entry in ClinVar:

ClinVar aggregate classification (germline): Uncertain significance. Review status: criteria provided, multiple submitters, no conflicts (2 of 4 stars). 2 submissions from 2 submitters: Uncertain significance (2). Last evaluated 2024-11-26.

Conditions:
Familial thoracic aortic aneurysm and aortic dissection (TAAD). Also called: Thoracic aortic aneurysms and dissections. Identifiers: Orphanet 91387, MedGen C4707243, MONDO:0019625.
Aortic aneurysm, familial thoracic 4 (AAT4). Also called: AORTIC ANEURYSM/AORTIC DISSECTION AND PATENT DUCTUS ARTERIOSUS. Identifiers: MedGen C1851504, MONDO:0007568, OMIM 132900.

Submissions (2):

Labcorp Genetics (formerly Invitae), Labcorp
Classification: Uncertain significance for Aortic aneurysm, familial thoracic 4. Last evaluated: 2024-11-26. Review status: criteria provided, single submitter. Criteria: Invitae Variant Classification Sherloc (09022015). Collection method: clinical testing. Allele origin: germline.
Comment: This sequence change replaces glutamic acid, which is acidic and polar, with lysine, which is basic and polar, at codon 1239 of the MYH11 protein (p.Glu1239Lys). This variant is not present in population databases (gnomAD no frequency). This variant has not been reported in the literature in individuals affected with MYH11-related conditions. Invitae Evidence Modeling of protein sequence and biophysical properties (such as structural, functional, and spatial information, amino acid conservation, physicochemical variation, residue mobility, and thermodynamic stability) indicates that this missense variant is not expected to disrupt MYH11 protein function with a negative predictive value of 95%. In summary, the available evidence is currently insufficient to determine the role of this variant in disease. Therefore, it has been classified as a Variant of Uncertain Significance.

Color Diagnostics, LLC DBA Color Health
Classification: Uncertain significance for Familial thoracic aortic aneurysm and aortic dissection. Last evaluated: 2024-05-22. Review status: criteria provided, single submitter. Criteria: ACMG Guidelines, 2015. Collection method: clinical testing. Allele origin: germline.
Comment: This missense variant replaces glutamic acid with lysine at codon 1239 of the MYH11 protein. Computational prediction tools indicate that this variant has a deleterious impact on protein structure and function. To our knowledge, functional studies have not been reported for this variant. This variant has not been reported in individuals affected with MYH11-related disorders in the literature. This variant has not been identified in the general population by the Genome Aggregation Database (gnomAD). The available evidence is insufficient to determine the role of this variant in disease conclusively. Therefore, this variant is classified as a Variant of Uncertain Significance.

NM_002474.3(MYH11):c.3694G>A (p.Glu1232Lys)

Gene: MYH11 (myosin heavy chain 11; minus strand). Cytogenetic location: 16p13.11.
Variant type: single nucleotide variant.
Coding change: c.3694G>A on transcript NM_002474.3 (MANE Select); coding-DNA position 3694, G replaced by A.
Protein change: p.Glu1232Lys; replaces glutamic acid 1232 with lysine.
Molecular consequence: missense variant.
Genome position (GRCh38, 1-based): chr16:15,727,012, C>T on the plus strand (G>A on the coding strand, the complement: MYH11 is on the minus strand). VCF-style: chr16-15727012-C-T. GRCh37 (hg19) VCF-style: chr16-15820869-C-T.
Other names: c.3715G>A, p.Glu1239Lys (NM_001040113.2, NM_001040114.2); c.3694G>A, p.Glu1232Lys (NM_022844.3); short protein forms E1239K, E1232K.
Identifiers: ClinVar variation 3667667 (VCV003667667.3).
Genomic context (GRCh38, chr16:15,727,012, plus strand): 5'-GTTCCACCTCCTGCTTGGCCTGGCCCAGGACCCGCAGCTCCCCGGCCAGGTCTGCGTTCT[C>T]TTTCTCCAGCGTCTGCTTATTCTTGTCTAGGTTCGCCTTGGCCTGGCGAAGGAAGCAGAG-3'
Protein context (NP_002465.1, residues 1222-1242): LDKNKQTLEK[Glu1232Lys]NADLAGELRV